The following is an entry in ClinVar:

ClinVar aggregate classification (germline): Uncertain significance (1 of 4 stars; one submission).

Submission:

Labcorp Genetics (formerly Invitae), Labcorp
Classification: Uncertain significance. Last evaluated: 2022-05-07. Review status: criteria provided, single submitter. Criteria: Invitae Variant Classification Sherloc (09022015). Collection method: clinical testing. Allele origin: germline.
Comment: In summary, the available evidence is currently insufficient to determine the role of this variant in disease. Therefore, it has been classified as a Variant of Uncertain Significance. This variant has not been reported in the literature in individuals affected with STN1-related conditions. This variant is a gross deletion of the genomic region encompassing exon(s) 2-9 of the STN1 gene, which includes the initiator codon. This deletion extends beyond the assayed region for this gene and therefore may encompass additional genes. It is expected to result in an absent or disrupted protein product. However, the current clinical and genetic evidence is not sufficient to establish whether loss-of-function variants in STN1 cause disease.

NC_000010.10:g.(?_105648810)_(105677352_?)del

Gene: STN1 (STN1 subunit of CST complex; minus strand). Cytogenetic location: 10q24.33.
Variant type: Deletion.
Identifiers: ClinVar variation 2426904 (VCV002426904.4).